The following is an entry in ClinVar:

ClinVar aggregate classification (germline): Pathogenic/Likely pathogenic. Review status: criteria provided, multiple submitters, no conflicts (2 of 4 stars). 2 submissions from 2 submitters: Pathogenic (1); Likely pathogenic (1). Last evaluated 2023-08-11.

Conditions:
PANK2-related disorder. Also called: PANK2-related condition.
Pigmentary pallidal degeneration (NBIA1). Also called: PKAN NEUROAXONAL DYSTROPHY, JUVENILE-ONSET; Neurodegeneration with brain iron accumulation 1; HARP SYNDROME; Pantothenate Kinase-Associated Neurodegeneration; Neuroaxonal dystrophy, late infantile; Hallervorden-Spatz disease. Identifiers: Orphanet 157850, MedGen C0018523, MONDO:0009319, OMIM 234200.

Allele frequency attached by ClinVar (database versions not stated): gnomAD 0.00001; TOPMed 0.00001.
gnomAD v4.1: 1 of 1,614,040 alleles (0.000062%); highest among the groups gnomAD compares: Non-Finnish European, 0.000085%; no homozygotes.

Submissions (2):

Labcorp Genetics (formerly Invitae), Labcorp
Classification: Pathogenic for Pigmentary pallidal degeneration. Last evaluated: 2023-08-11. Review status: criteria provided, single submitter. Criteria: Invitae Variant Classification Sherloc (09022015). Collection method: clinical testing. Allele origin: germline.
Comment: For these reasons, this variant has been classified as Pathogenic. ClinVar contains an entry for this variant (Variation ID: 2138325). This variant is not present in population databases (gnomAD no frequency). This sequence change creates a premature translational stop signal (p.Tyr405*) in the PANK2 gene. It is expected to result in an absent or disrupted protein product. Loss-of-function variants in PANK2 are known to be pathogenic (PMID: 11479594, 12510040). This premature translational stop signal has been observed in individual(s) with clinical features of PANK2-related conditions (PMID: 16023068). This variant is also known as 885C>G.

Blueprint Genetics
Classification: Likely pathogenic for PANK2-related disorders. Last evaluated: 2021-08-25. Review status: criteria provided, single submitter. Criteria: ACMG Guidelines, 2015. Collection method: clinical testing. Allele origin: germline. Affected: yes. Observed: 1 variant allele.

Literature cited by the submitters: PubMed 11479594 (cited by Labcorp Genetics (formerly Invitae), Labcorp); PubMed 12510040 (cited by Labcorp Genetics (formerly Invitae), Labcorp); PubMed 16023068 (cited by Labcorp Genetics (formerly Invitae), Labcorp).

NM_001386393.1(PANK2):c.885C>G (p.Tyr295Ter)

Gene: PANK2 (pantothenate kinase 2; plus strand). Cytogenetic location: 20p13.
Variant type: single nucleotide variant.
Coding change: c.885C>G on transcript NM_001386393.1 (MANE Select); coding-DNA position 885, C replaced by G.
Protein change: p.Tyr295Ter; replaces tyrosine 295 with a stop codon.
Molecular consequence: nonsense. On other transcripts: 5 prime UTR variant (1), non-coding transcript variant (1).
Genome position (GRCh38, 1-based): chr20:3,910,810, C>G. VCF-style: chr20-3910810-C-G. GRCh37 (hg19) VCF-style: chr20-3891457-C-G.
Other names: c.342C>G, p.Tyr114Ter (NM_001324191.2, NM_024960.6, NM_153640.4); c.-94C>G (NM_001324193.2); c.1215C>G, p.Tyr405Ter (NM_153638.4); short protein forms Y295*, Y114*, Y405*.
Identifiers: ClinVar variation 2138325 (VCV002138325.5), dbSNP rs1258656410, ClinGen allele CA408115709.